The following is an entry in ClinVar:

NM_001318852.2(MAPK8IP3):c.1513G>A (p.Val505Ile)

Gene: MAPK8IP3 (mitogen-activated protein kinase 8 interacting protein 3; plus strand). Cytogenetic location: 16p13.3.
Variant type: single nucleotide variant.
Coding change: c.1513G>A on transcript NM_001318852.2 (MANE Select); coding-DNA position 1513, G replaced by A.
Protein change: p.Val505Ile; replaces valine 505 with isoleucine.
Molecular consequence: missense variant.
Genome position (GRCh38, 1-based): chr16:1,761,279, G>A. VCF-style: chr16-1761279-G-A. GRCh37 (hg19) VCF-style: chr16-1811280-G-A.
Other names: c.1492G>A, p.Val498Ile (NM_001040439.2); c.1510G>A, p.Val504Ile (NM_015133.5); short protein forms V498I, V504I, V505I.
Identifiers: ClinVar variation 3371183 (VCV003371183.1).
Genomic context (GRCh38, chr16:1,761,279, plus strand): 5'-CACAGAGTGAAGTCCGAGGCCATCATCGCCCGCCGTGAACCCAAAGAAGAGGCGGAGGAT[G>A]TAAGCAGCTATCTCTGTACAGAATCGGTACATCCACTCTTCACTCTTCACATGCGGGGCG-3'
Protein context (NP_001305781.1, residues 495-515): RREPKEEAED[Val505Ile]SSYLCTESDK

ClinVar aggregate classification (germline): Uncertain significance (1 of 4 stars; one submission).

Submission:

GeneDx
Classification: Uncertain significance. Last evaluated: 2024-03-20. Review status: criteria provided, single submitter. Criteria: GeneDx Variant Classification Process June 2021. Collection method: clinical testing. Allele origin: germline. Affected: yes.
Comment: Not observed at significant frequency in large population cohorts (gnomAD); In silico analysis supports that this missense variant does not alter protein structure/function; Has not been previously published as pathogenic or benign to our knowledge